The following is an entry in ClinVar:

ClinVar aggregate classification (germline): Benign (1 of 4 stars; one submission).

Conditions:
Epiphyseal dysplasia, multiple, 2 (EDM2). Also called: COL9A2-Related Multiple Epiphyseal Dysplasia. Identifiers: MedGen C1838429, MONDO:0010844, OMIM 600204.

Allele frequency attached by ClinVar (database versions not stated): gnomAD exomes 0.00028; gnomAD 0.00236 and 0.00246; TOPMed 0.00256; 1000 Genomes Project 0.00399; 1000 Genomes Project 30x 0.00453.
gnomAD v4.1: 652 of 1,146,684 alleles (0.057%); highest among the groups gnomAD compares: African/African-American, 0.86%; 3 homozygotes.

Submission:

Illumina Laboratory Services, Illumina
Classification: Benign for Epiphyseal dysplasia, multiple, 2. Last evaluated: 2018-01-12. Review status: criteria provided, single submitter. Criteria: ICSL Variant Classification Criteria 13 December 2019. Collection method: clinical testing. Allele origin: germline.
Comment: This variant was observed in the ICSL laboratory as part of a predisposition screen in an ostensibly healthy population. It had not been previously curated by ICSL or reported in the Human Gene Mutation Database (HGMD: prior to June 1st, 2018), and was therefore a candidate for classification through an automated scoring system. Utilizing variant allele frequency, disease prevalence and penetrance estimates, and inheritance mode, an automated score was calculated to assess if this variant is too frequent to cause the disease. Based on the score and internal cut-off values, a variant classified as benign is not then subjected to further curation. The score for this variant resulted in a classification of benign for this disease.

NM_001852.4(COL9A2):c.*111C>T

Gene: COL9A2 (collagen type IX alpha 2 chain; minus strand). Cytogenetic location: 1p34.2.
Variant type: single nucleotide variant.
Coding change: c.*111C>T on transcript NM_001852.4 (MANE Select); 111 bases downstream of the stop codon, C replaced by T.
Molecular consequence: 3 prime UTR variant.
Genome position (GRCh38, 1-based): chr1:40,301,071, G>A on the plus strand (C>T on the coding strand, the complement: COL9A2 is on the minus strand). VCF-style: chr1-40301071-G-A. GRCh37 (hg19) VCF-style: chr1-40766743-G-A.
Identifiers: ClinVar variation 876172 (VCV000876172.4), dbSNP rs114634369, ClinGen allele CA21041043.